The following is an entry in ClinVar:

NM_001378328.1(CELSR1):c.119G>T (p.Arg40Leu)

Gene: CELSR1 (cadherin EGF LAG seven-pass G-type receptor 1; minus strand). Cytogenetic location: 22q13.31.
Variant type: single nucleotide variant.
Coding change: c.119G>T on transcript NM_001378328.1 (MANE Select); coding-DNA position 119, G replaced by T.
Protein change: p.Arg40Leu; replaces arginine 40 with leucine.
Molecular consequence: missense variant.
Genome position (GRCh38, 1-based): chr22:46,537,052, C>A on the plus strand (G>T on the coding strand, the complement: CELSR1 is on the minus strand). VCF-style: chr22-46537052-C-A. GRCh37 (hg19) VCF-style: chr22-46932949-C-A.
Other names: c.119G>T, p.Arg40Leu (NM_014246.4); short protein forms R40L.
Identifiers: ClinVar variation 2499343 (VCV002499343.2), dbSNP rs1442493078, ClinGen allele CA411955240.
Genomic context (GRCh38, chr22:46,537,052, plus strand): 5'-GCCCGGGGCGTGCAAGCGGCGCCCACCGCGTAGGTACAGCCGGGCCGGAGGGCGAAGGCG[C>A]GGGTCCCGCCGGGTACGCGCGGCTCCCAGGCGGCCGCTCGCAGCCCCATCGCCGGCAGGG-3'
Protein context (NP_001365257.1, residues 30-50): AWEPRVPGGT[Arg40Leu]AFALRPGCTY

ClinVar aggregate classification (germline): Uncertain significance (1 of 4 stars; one submission).

Submission:

GeneDx
Classification: Uncertain significance. Last evaluated: 2024-09-12. Review status: criteria provided, single submitter. Criteria: GeneDx Variant Classification Process June 2021. Collection method: clinical testing. Allele origin: germline.
Comment: Not observed at significant frequency in large population cohorts (gnomAD); In silico analysis indicates that this missense variant does not alter protein structure/function; Has not been previously published as pathogenic or benign to our knowledge